The following is an entry in ClinVar:

NM_001099409.3(EHBP1L1):c.1613T>G (p.Val538Gly)

Gene: EHBP1L1 (EH domain binding protein 1 like 1; plus strand). Cytogenetic location: 11q13.1.
Variant type: single nucleotide variant.
Coding change: c.1613T>G on transcript NM_001099409.3 (MANE Select); coding-DNA position 1613, T replaced by G.
Protein change: p.Val538Gly; replaces valine 538 with glycine.
Molecular consequence: missense variant. On other transcripts: intron variant (1).
Genome position (GRCh38, 1-based): chr11:65,582,285, T>G. VCF-style: chr11-65582285-T-G. GRCh37 (hg19) VCF-style: chr11-65349756-T-G.
Other names: c.819+959T>G (NM_001351087.2); short protein forms V538G.
Identifiers: ClinVar variation 1265858 (VCV001265858.3), dbSNP rs6591182, ClinGen allele CA6102063.

ClinVar aggregate classification (germline): Benign. Review status: criteria provided, multiple submitters, no conflicts (2 of 4 stars). 2 submissions from 2 submitters: Benign (2). Last evaluated 2020-04-27.

Allele frequency attached by ClinVar (database versions not stated): 1000 Genomes Project 30x 0.41849; ESP Exome Variant Server 0.42420; TOPMed 0.42572; 1000 Genomes Project 0.42592; gnomAD 0.45066 and 0.45212; gnomAD exomes 0.47494 and 0.48817; ExAC 0.48394.
gnomAD v4.1: 739,163 of 1,527,610 alleles (48%); highest among the groups gnomAD compares: South Asian, 53%; 181,234 homozygotes.

Submissions (2):

GeneDx
Classification: Benign. Last evaluated: 2020-04-27. Review status: criteria provided, single submitter. Criteria: GeneDx Variant Classification Process June 2021. Collection method: clinical testing. Allele origin: germline. Affected: yes.
Comment: This variant is associated with the following publications: (PMID: 20708005)

Breakthrough Genomics
Classification: Benign. Review status: criteria provided, single submitter. Criteria: ACMG Guidelines, 2015. Collection method: not provided. Allele origin: germline. Inheritance: Unknown mechanism. Affected: yes.